The following is an entry in ClinVar:

ClinVar aggregate classification (germline): Pathogenic (1 of 4 stars; one submission).

Submission:

Illumina Laboratory Services, Illumina
Classification: Pathogenic. Last evaluated: 2020-02-21. Review status: criteria provided, single submitter. Criteria: ICSL CNVClassificationCriteria Jul2020Prior. Collection method: clinical testing. Allele origin: unknown.
Comment: This CNV is a 1.4 Mb duplication of 17q12 on chromosome 17, (seq[GRCh37]dup(17)(q12); chr17:g.34815466_36249366dup), of unknown inheritance. This CNV constitutes a gain encompassing 20 genes and overlaps the 17q12 recurrent duplication region. This region is flanked by segmental duplications and is predisposed to recurrent rearrangements (Mitchell et al. 2015). The breakpoints of this gain lie within the segmental duplication regions. Similar 17q12 gains have been described in at least 50 cases in the literature with variable clinical phenotypes, including intellectual disability, developmental delays, seizure disorders, and other features (Bierhals et al. 2013; Hardies et al. 2013; Bertini et al. 2015; Mitchell et al. 2015; Mefford et al. 2016; Peycheva et al. 2018). Similar gains are also found in many individuals in the DECIPHER database and developmental delay case cohort, and in several developmental delay controls (Firth et al. 2009; Coe et al. 2014). Although several genes of interest are within the 17q12 recurrent duplication, no single gene has been identified as causative of the associated phenotypes (Mefford et al. 2016). Based on the collective evidence, this CNV is classified as pathogenic.

Literature cited by the submitters: PubMed 19344873; PubMed 23307502; PubMed 24049133; PubMed 25217958; PubMed 25691423; PubMed 26420380; PubMed 26925472; PubMed 29753047.

GRCh37/hg19 17q12(chr17:34815466-36249366)x3

Genes: DDX52 (DExD-box helicase 52; minus strand), DHRS11 (dehydrogenase/reductase 11; plus strand), DUSP14 (dual specificity phosphatase 14; plus strand), ACACA (acetyl-CoA carboxylase alpha; minus strand), C17orf78 (chromosome 17 open reading frame 78; plus strand) and 10 more. Cytogenetic location: 17q12.
Variant type: copy number gain.
Change: copy number 3 (three copies instead of two) of chr17:34,815,466-36,249,366 (1.43 Mb, GRCh37 coordinates, 1-based), cytogenetic band 17q12.
Identifiers: ClinVar variation 1180528 (VCV001180528.4).